The following is an entry in ClinVar:

ClinVar aggregate classification (germline): Uncertain significance. Review status: criteria provided, multiple submitters, no conflicts (2 of 4 stars). 2 submissions from 2 submitters: Uncertain significance (2). Last evaluated 2025-08-07.

Conditions:
Hereditary cancer-predisposing syndrome. Also called: Neoplastic Syndromes, Hereditary; Hereditary Cancer Syndrome; Hereditary neoplastic syndrome; Tumor predisposition. Identifiers: Orphanet 140162, MedGen C0027672, MeSH D009386, MONDO:0015356.
Mitochondrial complex II deficiency, nuclear type 1. Also called: SUCCINATE CoQ REDUCTASE DEFICIENCY. Identifiers: Orphanet 3208, MedGen C5700310, MONDO:0100294, OMIM 252011.
Pheochromocytoma/paraganglioma syndrome 5. Also called: Paragangliomas 5; SDHA-Related Hereditary Paraganglioma-Pheochromocytoma Syndrome. Identifiers: Orphanet 29072, MedGen C3279992, MONDO:0013602, OMIM 614165.

Allele frequency attached by ClinVar (database versions not stated): TOPMed below 0.00001; gnomAD 0.00001.
gnomAD v4.1: 2 of 1,611,754 alleles (0.00012%); highest among the groups gnomAD compares: African/African-American, 0.0027%; no homozygotes.

Submissions (2):

Labcorp Genetics (formerly Invitae), Labcorp
Classification: Uncertain significance for Pheochromocytoma/paraganglioma syndrome 5; Mitochondrial complex II deficiency, nuclear type 1. Last evaluated: 2025-08-07. Review status: criteria provided, single submitter. Criteria: Invitae Variant Classification Sherloc (09022015). Collection method: clinical testing. Allele origin: germline.
Comment: This sequence change falls in intron 3 of the SDHA gene. It does not directly change the encoded amino acid sequence of the SDHA protein. It affects a nucleotide within the consensus splice site. This variant is not present in population databases (gnomAD no frequency). This variant has not been reported in the literature in individuals affected with SDHA-related conditions. ClinVar contains an entry for this variant (Variation ID: 1480046). Variants that disrupt the consensus splice site are a relatively common cause of aberrant splicing (PMID: 17576681, 9536098). Algorithms developed to predict the effect of sequence changes on RNA splicing suggest that this variant may disrupt the consensus splice site. In summary, the available evidence is currently insufficient to determine the role of this variant in disease. Therefore, it has been classified as a Variant of Uncertain Significance.

Ambry Genetics
Classification: Uncertain significance for Hereditary cancer-predisposing syndrome. Last evaluated: 2023-11-28. Review status: criteria provided, single submitter. Criteria: Ambry Variant Classification Scheme 2023. Collection method: clinical testing. Allele origin: germline.
Comment: The c.312+5G>A intronic variant results from a G to A substitution 5 nucleotides after coding exon 3 in the SDHA gene. This nucleotide position is well conserved in available vertebrate species. In silico splice site analysis predicts that this alteration will not have any significant effect on splicing. Since supporting evidence is limited at this time, the clinical significance of this alteration remains unclear.

Literature cited by the submitters: PubMed 17576681 (cited by Labcorp Genetics (formerly Invitae), Labcorp); PubMed 9536098 (cited by Labcorp Genetics (formerly Invitae), Labcorp).

NM_004168.4(SDHA):c.312+5G>A

Gene: SDHA (succinate dehydrogenase complex flavoprotein subunit A; plus strand). Cytogenetic location: 5p15.33.
Variant type: single nucleotide variant.
Coding change: c.312+5G>A on transcript NM_004168.4 (MANE Select); 5 bases into the intron after coding-DNA position 312, G replaced by A.
Molecular consequence: intron variant.
Genome position (GRCh38, 1-based): chr5:224,526, G>A. VCF-style: chr5-224526-G-A. GRCh37 (hg19) VCF-style: chr5-224641-G-A.
Other names: c.312+5G>A (NM_004168.2, NM_001330758.2, NM_001294332.2).
Identifiers: ClinVar variation 1480046 (VCV001480046.7), dbSNP rs1384659459, ClinGen allele CA808821634.